The following is an entry in ClinVar:

ClinVar aggregate classification (germline): Benign/Likely benign. Review status: criteria provided, multiple submitters, no conflicts (2 of 4 stars). 4 submissions from 4 submitters: Benign (1); Likely benign (1). 2 of the submissions do not count toward it. Last evaluated 2025-02-12.

Conditions:
ATRX-related disorder. Also called: ATRX-related condition.
Alpha thalassemia-X-linked intellectual disability syndrome (ATRX). Also called: ATR-X syndrome; Alpha thalassemia mental retardation syndrome, nondeletion type, X-linked; XLMR hypotonic face syndrome; ALPHA-THALASSEMIA/MENTAL RETARDATION SYNDROME, X-LINKED; ATR, NONDELETION TYPE; X-linked alpha-thalassemia-mental retardation syndrome. Identifiers: Orphanet 847, MedGen C1845055, MONDO:0010519, OMIM 301040.

Allele frequency attached by ClinVar (database versions not stated): gnomAD exomes 0.00005 and 0.00006; gnomAD 0.00007 and 0.00006; ExAC 0.00006; ESP Exome Variant Server 0.00009; TOPMed 0.00003.
gnomAD v4.1: 57 of 1,205,305 alleles (0.0047%); highest among the groups gnomAD compares: Middle Eastern, 0.023%; no homozygotes.

Submissions (4):

Labcorp Genetics (formerly Invitae), Labcorp
Classification: Benign for Alpha thalassemia-X-linked intellectual disability syndrome. Last evaluated: 2025-02-12. Review status: criteria provided, single submitter. Criteria: Invitae Variant Classification Sherloc (09022015). Collection method: clinical testing. Allele origin: germline.

GeneDx
Classification: Likely benign. Last evaluated: 2021-03-16. Review status: criteria provided, single submitter. Criteria: GeneDx Variant Classification Process June 2021. Collection method: clinical testing. Allele origin: germline. Affected: yes.

Natera, Inc.
Classification: Likely benign for X-linked alpha-thalassemia-mental retardation syndrome. Last evaluated: 2020-08-05. Review status: no assertion criteria provided. Collection method: clinical testing. Allele origin: germline. Not counted in ClinVar's aggregate classification.

PreventionGenetics, part of Exact Sciences
Classification: Likely benign for ATRX-related condition. Last evaluated: 2020-02-14. Review status: no assertion criteria provided. Collection method: clinical testing. Allele origin: germline. Not counted in ClinVar's aggregate classification.
Comment: This variant is classified as likely benign based on ACMG/AMP sequence variant interpretation guidelines (Richards et al. 2015 PMID: 25741868, with internal and published modifications).

NM_000489.6(ATRX):c.1245C>T (p.Ser415=)

Gene: ATRX (ATRX chromatin remodeler; minus strand). Cytogenetic location: Xq21.1.
Variant type: single nucleotide variant.
Coding change: c.1245C>T on transcript NM_000489.6 (MANE Select); coding-DNA position 1245, C replaced by T.
Protein change: p.Ser415=; no amino-acid change (serine 415 retained).
Molecular consequence: synonymous variant.
Genome position (GRCh38, 1-based): chrX:77,684,011, G>A on the plus strand (C>T on the coding strand, the complement: ATRX is on the minus strand). VCF-style: chrX-77684011-G-A. GRCh37 (hg19) VCF-style: chrX-76939503-G-A.
Other names: c.1131C>T, p.Ser377= (NM_138270.5).
Identifiers: ClinVar variation 700264 (VCV000700264.20), dbSNP rs141815992, ClinGen allele CA10458223.
Genomic context (GRCh38, chrX:77,684,011, plus strand): 5'-TATGACTTTATGCTCTTTGGTATTTTTCTCTTTGTTTACAGCATCCATCGCTCGAAACTC[G>A]GAATTTAAGTCTTCTTCCAATGCAAGATGAGCCTTCTTAATATCAGCCAACACAGACTTA-3'
Protein context (NP_000480.3, residues 405-425): AHLALEEDLN[Ser415=]EFRAMDAVNK